The following is an entry in ClinVar:

NM_015559.3(SETBP1):c.4389G>C (p.Gln1463His)

Gene: SETBP1 (SET binding protein 1; plus strand). Cytogenetic location: 18q12.3.
Variant type: single nucleotide variant.
Coding change: c.4389G>C on transcript NM_015559.3 (MANE Select); coding-DNA position 4389, G replaced by C.
Protein change: p.Gln1463His; replaces glutamine 1463 with histidine.
Molecular consequence: missense variant.
Genome position (GRCh38, 1-based): chr18:45,063,296, G>C. VCF-style: chr18-45063296-G-C. GRCh37 (hg19) VCF-style: chr18-42643261-G-C.
Other names: c.4389G>C, p.Gln1463His (NM_001379141.1, NM_001379142.1); c.4389G>C (NM_015559.2); short protein forms Q1463H.
Identifiers: ClinVar variation 1429121 (VCV001429121.12), dbSNP rs1019850669, ClinGen allele CA299946039.

ClinVar aggregate classification (germline): Conflicting classifications of pathogenicity. Review status: criteria provided, conflicting classifications (1 of 4 stars). 4 submissions from 4 submitters: Uncertain significance (2); Benign (1); Likely benign (1). Last evaluated 2025-11-25.

Conditions:
SETBP1-related disorder. Also called: SETBP1-related condition; SETBP1-related disorders.
Inborn genetic diseases. Identifiers: MedGen C0950123, MeSH D030342.

gnomAD v4.1: 4 of 1,607,020 alleles (0.00025%); highest among the groups gnomAD compares: Admixed American, 0.0034%; no homozygotes.

Submissions (4):

Ambry Genetics
Classification: Uncertain significance for Inborn genetic diseases. Last evaluated: 2025-11-25. Review status: criteria provided, single submitter. Criteria: Ambry Variant Classification Scheme 2023. Collection method: clinical testing. Allele origin: germline.

Labcorp Genetics (formerly Invitae), Labcorp
Classification: Benign. Last evaluated: 2025-09-16. Review status: criteria provided, single submitter. Criteria: Invitae Variant Classification Sherloc (09022015). Collection method: clinical testing. Allele origin: germline.

Blueprint Genetics
Classification: Likely benign. Last evaluated: 2024-04-23. Review status: criteria provided, single submitter. Criteria: ACMG Guidelines, 2015. Collection method: clinical testing. Allele origin: germline.

PreventionGenetics, part of Exact Sciences
Classification: Uncertain significance for SETBP1-related condition. Last evaluated: 2023-05-12. Review status: criteria provided, single submitter. Criteria: ACMG Guidelines, 2015. Collection method: clinical testing. Allele origin: germline.
Comment: The SETBP1 c.4389G>C variant is predicted to result in the amino acid substitution p.Gln1463His. To our knowledge, this variant has not been reported in the literature or in a large population database, indicating this variant is rare. At this time, the clinical significance of this variant is uncertain due to the absence of conclusive functional and genetic evidence.